The following is an entry in ClinVar:

NM_002224.4(ITPR3):c.1409+8_1409+23del

Gene: ITPR3 (inositol 1,4,5-trisphosphate receptor type 3; plus strand). Cytogenetic location: 6p21.31.
Variant type: Deletion.
Coding change: c.1409+8_1409+23del on transcript NM_002224.4 (MANE Select); bases 8 to 23 of the intron after coding-DNA position 1409, 16 bases deleted (GCAGTGGCACAGGGGT).
Molecular consequence: intron variant.
Genome position (GRCh38, 1-based): chr6:33,665,221-33,665,236, GCAGTGGCACAGGGGT deleted; deleting any 16 consecutive bases within chr6:33,665,220-33,665,236 gives the same sequence; the c. name uses the placement nearest the transcript's 3' end. VCF-style (leftmost placement, unchanged base first): chr6-33665219-CTGCAGTGGCACAGGGG-C. GRCh37 (hg19) VCF-style: chr6-33632996-CTGCAGTGGCACAGGGG-C.
Other names: c.1409+8_1409+23del16 (NM_002224.3).
Identifiers: ClinVar variation 2656494 (VCV002656494.25), dbSNP rs749568495, ClinGen allele CA3760248.

ClinVar aggregate classification (germline): Likely benign. Review status: criteria provided, single submitter (1 of 4 stars). 2 submissions from 2 submitters: Likely benign (1). 1 of the submissions does not count toward it. Last evaluated 2023-02-01.

Conditions:
ITPR3-related disorder. Also called: ITPR3-related condition.

Submissions (2):

CeGaT Center for Human Genetics Tuebingen
Classification: Likely benign. Last evaluated: 2023-02-01. Review status: criteria provided, single submitter. Criteria: CeGaT Center For Human Genetics Tuebingen Variant Classification Criteria Version 2. Collection method: clinical testing. Allele origin: germline. Affected: yes. Observed: 1 variant allele.
Comment: ITPR3: BP4

PreventionGenetics, part of Exact Sciences
Classification: Likely benign for ITPR3-related condition. Last evaluated: 2019-05-16. Review status: no assertion criteria provided. Collection method: clinical testing. Allele origin: germline. Not counted in ClinVar's aggregate classification.
Comment: This variant is classified as likely benign based on ACMG/AMP sequence variant interpretation guidelines (Richards et al. 2015 PMID: 25741868, with internal and published modifications).